The following is an entry in ClinVar:

ClinVar aggregate classification (germline): Uncertain significance (1 of 4 stars; one submission).

Allele frequency attached by ClinVar (database versions not stated): gnomAD exomes below 0.00001; TOPMed below 0.00001.
gnomAD v4.1: 4 of 1,573,646 alleles (0.00025%); highest among the groups gnomAD compares: Non-Finnish European, 0.00034%; no homozygotes.

Submission:

Labcorp Genetics (formerly Invitae), Labcorp
Classification: Uncertain significance. Last evaluated: 2022-09-02. Review status: criteria provided, single submitter. Criteria: Invitae Variant Classification Sherloc (09022015). Collection method: clinical testing. Allele origin: germline.
Comment: In summary, the available evidence is currently insufficient to determine the role of this variant in disease. Therefore, it has been classified as a Variant of Uncertain Significance. Algorithms developed to predict the effect of missense changes on protein structure and function are either unavailable or do not agree on the potential impact of this missense change (SIFT: "Deleterious"; PolyPhen-2: "Not Available"; Align-GVGD: "Class C0"). This variant has not been reported in the literature in individuals affected with MPLKIP-related conditions. This variant is not present in population databases (gnomAD no frequency). This sequence change replaces glycine, which is neutral and non-polar, with valine, which is neutral and non-polar, at codon 33 of the MPLKIP protein (p.Gly33Val).

NM_138701.4(MPLKIP):c.98G>T (p.Gly33Val)

Gene: MPLKIP (M-phase specific PLK1 interacting protein; minus strand). Cytogenetic location: 7p14.1.
Variant type: single nucleotide variant.
Coding change: c.98G>T on transcript NM_138701.4 (MANE Select); coding-DNA position 98, G replaced by T.
Protein change: p.Gly33Val; replaces glycine 33 with valine.
Molecular consequence: missense variant.
Genome position (GRCh38, 1-based): chr7:40,134,470, C>A on the plus strand (G>T on the coding strand, the complement: MPLKIP is on the minus strand). VCF-style: chr7-40134470-C-A. GRCh37 (hg19) VCF-style: chr7-40174069-C-A.
Other names: short protein forms G33V.
Identifiers: ClinVar variation 2050576 (VCV002050576.4), dbSNP rs1787557488, ClinGen allele CA367308704.